The following is an entry in ClinVar:

ClinVar aggregate classification (germline): Uncertain significance (1 of 4 stars; one submission).

Conditions:
Inborn genetic diseases. Identifiers: MedGen C0950123, MeSH D030342.

Submission:

Ambry Genetics
Classification: Uncertain significance for Inborn genetic diseases. Last evaluated: 2025-03-27. Review status: criteria provided, single submitter. Criteria: Ambry Variant Classification Scheme 2023. Collection method: clinical testing. Allele origin: germline.
Comment: The p.E1596K variant (also known as c.4786G>A), located in coding exon 20 of the FANCM gene, results from a G to A substitution at nucleotide position 4786. The glutamic acid at codon 1596 is replaced by lysine, an amino acid with similar properties. This amino acid position is conserved. In addition, the in silico prediction for this alteration is inconclusive. Based on the available evidence, the clinical significance of this variant remains unclear.

NM_020937.4(FANCM):c.4786G>A (p.Glu1596Lys)

Gene: FANCM (FA complementation group M; plus strand). Cytogenetic location: 14q21.2.
Variant type: single nucleotide variant.
Coding change: c.4786G>A on transcript NM_020937.4 (MANE Select); coding-DNA position 4786, G replaced by A.
Protein change: p.Glu1596Lys; replaces glutamic acid 1596 with lysine.
Molecular consequence: missense variant.
Genome position (GRCh38, 1-based): chr14:45,188,808, G>A. VCF-style: chr14-45188808-G-A. GRCh37 (hg19) VCF-style: chr14-45658011-G-A.
Other names: c.4708G>A, p.Glu1570Lys (NM_001308133.2); short protein forms E1570K, E1596K.
Identifiers: ClinVar variation 4022621 (VCV004022621.1).